The following is an entry in ClinVar:

NM_031935.3(HMCN1):c.6893A>G (p.His2298Arg)

Gene: HMCN1 (hemicentin 1; plus strand). Cytogenetic location: 1q31.1.
Variant type: single nucleotide variant.
Coding change: c.6893A>G on transcript NM_031935.3 (MANE Select); coding-DNA position 6893, A replaced by G.
Protein change: p.His2298Arg; replaces histidine 2298 with arginine.
Molecular consequence: missense variant.
Genome position (GRCh38, 1-based): chr1:186,055,423, A>G. VCF-style: chr1-186055423-A-G. GRCh37 (hg19) VCF-style: chr1-186024555-A-G.
Other names: short protein forms H2298R.
Identifiers: ClinVar variation 1997199 (VCV001997199.4), dbSNP rs1029169965, ClinGen allele CA33480204.

ClinVar aggregate classification (germline): Uncertain significance (1 of 4 stars; one submission).

Submission:

Labcorp Genetics (formerly Invitae), Labcorp
Classification: Uncertain significance. Last evaluated: 2022-07-26. Review status: criteria provided, single submitter. Criteria: Invitae Variant Classification Sherloc (09022015). Collection method: clinical testing. Allele origin: germline.
Comment: This sequence change replaces histidine, which is basic and polar, with arginine, which is basic and polar, at codon 2298 of the HMCN1 protein (p.His2298Arg). This variant is not present in population databases (gnomAD no frequency). This variant has not been reported in the literature in individuals affected with HMCN1-related conditions. Algorithms developed to predict the effect of missense changes on protein structure and function are either unavailable or do not agree on the potential impact of this missense change (SIFT: "Tolerated"; PolyPhen-2: "Probably Damaging"; Align-GVGD: "Class C0"). In summary, the available evidence is currently insufficient to determine the role of this variant in disease. Therefore, it has been classified as a Variant of Uncertain Significance.